The following is an entry in ClinVar:

NM_001197104.2(KMT2A):c.1981G>A (p.Val661Ile)

Gene: KMT2A (lysine methyltransferase 2A; plus strand). Cytogenetic location: 11q23.3.
Variant type: single nucleotide variant.
Coding change: c.1981G>A on transcript NM_001197104.2 (MANE Select); coding-DNA position 1981, G replaced by A.
Protein change: p.Val661Ile; replaces valine 661 with isoleucine.
Molecular consequence: missense variant.
Genome position (GRCh38, 1-based): chr11:118,473,140, G>A. VCF-style: chr11-118473140-G-A. GRCh37 (hg19) VCF-style: chr11-118343855-G-A.
Other names: c.1981G>A, p.Val661Ile (NM_005933.4); c.1981G>A (NM_001197104.1); short protein forms V661I.
Identifiers: ClinVar variation 1350021 (VCV001350021.9), dbSNP rs1458634194, ClinGen allele CA382811962.

ClinVar aggregate classification (germline): Conflicting classifications of pathogenicity. Review status: criteria provided, conflicting classifications (1 of 4 stars). 2 submissions from 2 submitters: Uncertain significance (1); Likely benign (1). Last evaluated 2026-02-02.

Conditions:
Inborn genetic diseases. Identifiers: MedGen C0950123, MeSH D030342.

Allele frequency attached by ClinVar (database versions not stated): gnomAD 0.00001; gnomAD exomes 0.00001; TOPMed 0.00001.
gnomAD v4.1: 9 of 1,613,934 alleles (0.00056%); highest among the groups gnomAD compares: Admixed American, 0.0017%; no homozygotes.

Submissions (2):

Labcorp Genetics (formerly Invitae), Labcorp
Classification: Uncertain significance. Last evaluated: 2026-02-02. Review status: criteria provided, single submitter. Criteria: Invitae Variant Classification Sherloc (09022015). Collection method: clinical testing. Allele origin: germline.
Comment: This sequence change replaces valine, which is neutral and non-polar, with isoleucine, which is neutral and non-polar, at codon 661 of the KMT2A protein (p.Val661Ile). This variant is present in population databases (no rsID available, gnomAD 0.003%). This variant has not been reported in the literature in individuals affected with KMT2A-related conditions. ClinVar contains an entry for this variant (Variation ID: 1350021). Invitae Evidence Modeling of protein sequence and biophysical properties (such as structural, functional, and spatial information, amino acid conservation, physicochemical variation, residue mobility, and thermodynamic stability) has been performed for this missense variant. However, the output from this modeling did not meet the statistical confidence thresholds required to predict the impact of this variant on KMT2A protein function. In summary, the available evidence is currently insufficient to determine the role of this variant in disease. Therefore, it has been classified as a Variant of Uncertain Significance.

Ambry Genetics
Classification: Likely benign for Inborn genetic diseases. Last evaluated: 2025-04-11. Review status: criteria provided, single submitter. Criteria: Ambry Variant Classification Scheme 2023. Collection method: clinical testing. Allele origin: germline.